The following is an entry in ClinVar:

ClinVar aggregate classification (germline): Benign (0 of 4 stars; one submission).

Conditions:
SERPINA1-related disorder. Also called: SerpinA1-related disorders; SERPINA1-related condition.

Submission:

PreventionGenetics, part of Exact Sciences
Classification: Benign for SERPINA1-related condition. Last evaluated: 2021-05-03. Review status: no assertion criteria provided. Collection method: clinical testing. Allele origin: germline.
Comment: This variant is classified as benign based on ACMG/AMP sequence variant interpretation guidelines (Richards et al. 2015 PMID: 25741868, with internal and published modifications).

NM_000295.5(SERPINA1):c.966T>A (p.Asp322Glu)

Gene: SERPINA1 (serpin family A member 1; minus strand). Cytogenetic location: 14q32.13.
Variant type: single nucleotide variant.
Coding change: c.966T>A on transcript NM_000295.5 (MANE Select); coding-DNA position 966, T replaced by A.
Protein change: p.Asp322Glu; replaces aspartic acid 322 with glutamic acid.
Molecular consequence: missense variant.
Genome position (GRCh38, 1-based): chr14:94,379,563, A>T on the plus strand (T>A on the coding strand, the complement: SERPINA1 is on the minus strand). VCF-style: chr14-94379563-A-T. GRCh37 (hg19) VCF-style: chr14-94845900-A-T.
Other names: c.966T>A, p.Asp322Glu (NM_001002235.3, NM_001002236.3, NM_001127700.2 and 7 more transcripts); short protein forms D322E.
Identifiers: ClinVar variation 3059598 (VCV003059598.2), dbSNP rs190881649, ClinGen allele CA265860989.
Genomic context (GRCh38, chr14:94,379,563, plus strand): 5'-GAGGTCAGCCCCATTGCTGAAGACCTTAGTGATGCCCAGTTGACCCAGGACGCTCTTCAG[A>T]TCATAGGTTCCAGTAATGGACAGTTTGGGTAAATGTAAGCTGGCAGACCTGTCGTGCAGA-3'
Protein context (NP_000286.3, residues 312-332): LPKLSITGTY[Asp322Glu]LKSVLGQLGI